The following is an entry in ClinVar:

NM_004360.5(CDH1):c.969A>G (p.Thr323=)

Gene: CDH1 (cadherin 1; plus strand). Cytogenetic location: 16q22.1.
Variant type: single nucleotide variant.
Coding change: c.969A>G on transcript NM_004360.5 (MANE Select); coding-DNA position 969, A replaced by G.
Protein change: p.Thr323=; no amino-acid change (threonine 323 retained).
Molecular consequence: synonymous variant. On other transcripts: 5 prime UTR variant (2).
Genome position (GRCh38, 1-based): chr16:68,811,820, A>G. VCF-style: chr16-68811820-A-G. GRCh37 (hg19) VCF-style: chr16-68845723-A-G.
Other names: c.969A>G, p.Thr323= (NM_001317184.2); c.-647A>G (NM_001317185.2); c.-851A>G (NM_001317186.2).
Identifiers: ClinVar variation 628243 (VCV000628243.13), dbSNP rs1567506753, ClinGen allele CA496152946.

ClinVar aggregate classification (germline): Benign/Likely benign. Review status: criteria provided, multiple submitters, no conflicts (2 of 4 stars). 3 submissions from 3 submitters: Benign (1); Likely benign (2). Last evaluated 2024-09-17.

Conditions:
Hereditary cancer-predisposing syndrome. Also called: Tumor predisposition; Neoplastic Syndromes, Hereditary; Hereditary Cancer Syndrome; Hereditary neoplastic syndrome. Identifiers: Orphanet 140162, MedGen C0027672, MeSH D009386, MONDO:0015356.
Hereditary diffuse gastric adenocarcinoma (HDGC). Also called: DIFFUSE GASTRIC AND LOBULAR BREAST CANCER SYNDROME. Identifiers: Orphanet 26106, MedGen C1708349, MONDO:0007648, OMIM 137215.

Submissions (3):

Myriad Genetics, Inc.
Classification: Benign for Hereditary diffuse gastric adenocarcinoma. Last evaluated: 2024-09-17. Review status: criteria provided, single submitter. Criteria: Myriad Autosomal Dominant, Autosomal Recessive and X-Linked Classification Criteria (2023). Collection method: clinical testing. Allele origin: unknown.
Comment: This variant is considered benign. This variant is a silent/synonymous amino acid change and it is not expected to impact splicing.

Labcorp Genetics (formerly Invitae), Labcorp
Classification: Likely benign for Hereditary diffuse gastric adenocarcinoma. Last evaluated: 2020-01-26. Review status: criteria provided, single submitter. Criteria: Invitae Variant Classification Sherloc (09022015). Collection method: clinical testing. Allele origin: germline.

Color Diagnostics, LLC DBA Color Health
Classification: Likely benign for Hereditary cancer-predisposing syndrome. Last evaluated: 2018-04-26. Review status: criteria provided, single submitter. Criteria: ACMG Guidelines, 2015. Collection method: clinical testing. Allele origin: germline.